The following is an entry in ClinVar:

NM_016616.5(NME8):c.610A>G (p.Ile204Val)

Gene: NME8 (NME/NM23 family member 8; plus strand). Cytogenetic location: 7p14.1.
Variant type: single nucleotide variant.
Coding change: c.610A>G on transcript NM_016616.5 (MANE Select); coding-DNA position 610, A replaced by G.
Protein change: p.Ile204Val; replaces isoleucine 204 with valine.
Molecular consequence: missense variant.
Genome position (GRCh38, 1-based): chr7:37,865,606, A>G. VCF-style: chr7-37865606-A-G. GRCh37 (hg19) VCF-style: chr7-37905208-A-G.
Other names: short protein forms I204V.
Identifiers: ClinVar variation 241113 (VCV000241113.25), dbSNP rs146777129, ClinGen allele CA4222275.

ClinVar aggregate classification (germline): Conflicting classifications of pathogenicity. Review status: criteria provided, conflicting classifications (1 of 4 stars). 7 submissions from 7 submitters: Uncertain significance (3); Likely benign (3). 1 of the submissions does not count toward it. Last evaluated 2026-01-27.

Conditions:
NME8-related disorder. Also called: NME8-related condition.
Primary ciliary dyskinesia. Also called: Ciliary dyskinesia. Identifiers: Orphanet 244, MedGen C0008780, MONDO:0016575, HP:0012265.
Primary ciliary dyskinesia 6. Also called: Primary Ciliary Dyskinesia 6: TXNDC3-Related Primary Ciliary Dyskinesia. Identifiers: Orphanet 244, MedGen C1970506, MONDO:0012571, OMIM 610852.

Allele frequency attached by ClinVar (database versions not stated): TOPMed 0.00076; ESP Exome Variant Server 0.00085; gnomAD 0.00090 and 0.00094; gnomAD exomes 0.00104 and 0.00173; ExAC 0.00129.
gnomAD v4.1: 2,613 of 1,608,044 alleles (0.16%); highest among the groups gnomAD compares: Non-Finnish European, 0.21%; 3 homozygotes.

Submissions (7):

Labcorp Genetics (formerly Invitae), Labcorp
Classification: Likely benign for Primary ciliary dyskinesia 6. Last evaluated: 2026-01-27. Review status: criteria provided, single submitter. Criteria: Invitae Variant Classification Sherloc (09022015). Collection method: clinical testing. Allele origin: germline.

Blueprint Genetics
Classification: Likely benign. Last evaluated: 2024-11-26. Review status: criteria provided, single submitter. Criteria: ACMG Guidelines, 2015. Collection method: clinical testing. Allele origin: germline.

ARUP Laboratories, Molecular Genetics and Genomics, ARUP Laboratories
Classification: Uncertain significance for Primary ciliary dyskinesia 6. Last evaluated: 2023-10-13. Review status: criteria provided, single submitter. Criteria: ARUP Molecular Germline Variant Investigation Process 2024. Collection method: clinical testing. Allele origin: germline.
Comment: The NME8 c.610A>G; p.Ile204Val variant (rs146777129), to our knowledge, is not reported in the medical literature but is reported in ClinVar (Variation ID: 241113). This variant is found in the general population with an overall allele frequency of 0.10% (294/128722 alleles, including a single homozygote) in the Genome Aggregation Database. Computational analyses predict that this variant is neutral (REVEL: 0.018). Due to limited information, the clinical significance of this variant is uncertain at this time.

Revvity Omics, Revvity
Classification: Uncertain significance for Primary ciliary dyskinesia 6. Last evaluated: 2020-02-13. Review status: criteria provided, single submitter. Criteria: ACMG Guidelines, 2015. Collection method: clinical testing. Allele origin: germline.

Ambry Genetics
Classification: Likely benign for Primary ciliary dyskinesia. Last evaluated: 2019-04-19. Review status: criteria provided, single submitter. Criteria: Ambry Variant Classification Scheme 2023. Collection method: clinical testing. Allele origin: germline.

Eurofins Ntd Llc (ga)
Classification: Uncertain significance. Last evaluated: 2016-12-19. Review status: criteria provided, single submitter. Criteria: EGL Classification Definitions 2015. Collection method: clinical testing. Allele origin: germline. Observed: 1 variant allele, 1 heterozygote.

PreventionGenetics, part of Exact Sciences
Classification: Likely benign for NME8-related condition. Last evaluated: 2023-03-10. Review status: no assertion criteria provided. Collection method: clinical testing. Allele origin: germline. Not counted in ClinVar's aggregate classification.
Comment: This variant is classified as likely benign based on ACMG/AMP sequence variant interpretation guidelines (Richards et al. 2015 PMID: 25741868, with internal and published modifications).